The following is an entry in ClinVar:

ClinVar aggregate classification (germline): Benign (1 of 4 stars; one submission).

Allele frequency attached by ClinVar (database versions not stated): 1000 Genomes Project 30x 0.40896; 1000 Genomes Project 0.41514; TOPMed 0.46159.
gnomAD v4.1: 73,693 of 151,852 alleles (49%); highest among the groups gnomAD compares: Non-Finnish European, 62%; 20,144 homozygotes.

Submission:

GeneDx
Classification: Benign. Last evaluated: 2018-06-14. Review status: criteria provided, single submitter. Criteria: GeneDx Variant Classification (06012015). Collection method: clinical testing. Allele origin: germline. Affected: yes.
Comment: This variant is considered likely benign or benign based on one or more of the following criteria: it is a conservative change, it occurs at a poorly conserved position in the protein, it is predicted to be benign by multiple in silico algorithms, and/or has population frequency not consistent with disease.

NM_001042492.3(NF1):c.7190-260T>G

Gene: NF1 (neurofibromin 1; plus strand). Cytogenetic location: 17q11.2.
Variant type: single nucleotide variant.
Coding change: c.7190-260T>G on transcript NM_001042492.3 (MANE Select); 260 bases into the intron before coding-DNA position 7190, T replaced by G.
Molecular consequence: intron variant.
Genome position (GRCh38, 1-based): chr17:31,348,860, T>G. VCF-style: chr17-31348860-T-G. GRCh37 (hg19) VCF-style: chr17-29675878-T-G.
Other names: c.7127-260T>G (NM_000267.4).
Identifiers: ClinVar variation 561763 (VCV000561763.1), dbSNP rs2525568, ClinGen allele CA289400545.
Genomic context (GRCh38, chr17:31,348,860, plus strand): 5'-TTTTTTTTTAATCTCTGTGCTGCTTTAGGGAATAGAAGATCTGAAAGACTATCATGTTTT[T>G]TAATTTTCCTCTTCCTGGAGTACTGTAGAGTTCTAGGGAATATTATATTCTACACATTTT-3'